The following is an entry in ClinVar:

ClinVar aggregate classification (germline): Likely pathogenic. Review status: criteria provided, multiple submitters, no conflicts (2 of 4 stars). 2 submissions from 2 submitters: Likely pathogenic (2). Last evaluated 2024-12-19.

Conditions:
Arrhythmogenic right ventricular dysplasia 11. Also called: ARRHYTHMOGENIC RIGHT VENTRICULAR DYSPLASIA, FAMILIAL, 11; Arrhythmogenic Right Ventricular Dysplasia/Cardiomyopathy11; Arrhythmogenic right ventricular dysplasia 11 with mild palmoplantar keratoderma and woolly hair. Identifiers: MedGen C1864850, MONDO:0012506, OMIM 610476.

Submissions (2):

GeneDx
Classification: Likely pathogenic. Last evaluated: 2024-12-19. Review status: criteria provided, single submitter. Criteria: GeneDx Variant Classification Process June 2021. Collection method: clinical testing. Allele origin: germline.
Comment: Frameshift variant predicted to result in protein truncation or nonsense mediated decay in a gene for which loss of function is a known mechanism of disease; Not observed at significant frequency in large population cohorts (gnomAD); Has not been previously published as pathogenic or benign to our knowledge; This variant is associated with the following publications: (PMID: 31638835)

Juno Genomics, Hangzhou Juno Genomics, Inc
Classification: Likely pathogenic for Arrhythmogenic right ventricular dysplasia 11. Review status: criteria provided, single submitter. Criteria: ACMG Guidelines, 2015. Collection method: clinical testing. Allele origin: germline.
Comment: Null variant in a gene where loss of function (LOF) is a known mechanism of disease.;Absent from controls (or at extremely low frequency if recessive) in Genome Aggregation Database.

NM_024422.6(DSC2):c.1580_1583del (p.Ile527fs)

Gene: DSC2 (desmocollin 2; minus strand). Cytogenetic location: 18q12.1.
Variant type: Microsatellite.
Coding change: c.1580_1583del on transcript NM_024422.6 (MANE Select); coding-DNA positions 1580 to 1583, 4 bases deleted (TCAA; older notation c.1580_1583delTCAA).
Protein change: p.Ile527fs; shifts the reading frame from isoleucine 527.
Molecular consequence: frameshift variant.
Genome position (GRCh38, 1-based): chr18:31,079,927-31,079,930, TTGA deleted on the plus strand (TCAA on the coding strand, the reverse complement: DSC2 is on the minus strand); deleting any 4 consecutive bases within chr18:31,079,927-31,079,935 gives the same sequence; the c. name uses the placement nearest the transcript's 3' end. VCF-style (leftmost placement, unchanged base first): chr18-31079926-TTTGA-T. GRCh37 (hg19) VCF-style: chr18-28659892-TTTGA-T.
Other names: c.1151_1154del, p.Ile384fs (NM_001406506.1, NM_001406507.1); c.1580_1583del, p.Ile527fs (NM_004949.5); short protein forms I384fs, I527fs.
Identifiers: ClinVar variation 3340823 (VCV003340823.4).